The following is an entry in ClinVar:

ClinVar aggregate classification (germline): Uncertain significance (1 of 4 stars; one submission).

Allele frequency attached by ClinVar (database versions not stated): gnomAD 0.00002; ExAC 0.00003; TOPMed 0.00003; gnomAD exomes 0.00006; ESP Exome Variant Server 0.00016.

Submission:

GeneDx
Classification: Uncertain significance. Last evaluated: 2022-03-17. Review status: criteria provided, single submitter. Criteria: GeneDx Variant Classification Process June 2021. Collection method: clinical testing. Allele origin: germline. Affected: yes.
Comment: Identified in a patient with keratoconus, however evidence in support of pathogenicity for this variant was not provided in the report (Lucas et al., 2018); In silico analysis supports that this missense variant does not alter protein structure/function; This variant is associated with the following publications: (PMID: 29924831)

NM_001378778.1(MPDZ):c.3836A>G (p.Asp1279Gly)

Gene: MPDZ (multiple PDZ domain crumbs cell polarity complex component; minus strand). Cytogenetic location: 9p23.
Variant type: single nucleotide variant.
Coding change: c.3836A>G on transcript NM_001378778.1 (MANE Select); coding-DNA position 3836, A replaced by G.
Protein change: p.Asp1279Gly; replaces aspartic acid 1279 with glycine.
Molecular consequence: missense variant. On other transcripts: intron variant (14).
Genome position (GRCh38, 1-based): chr9:13,143,470, T>C on the plus strand (A>G on the coding strand, the complement: MPDZ is on the minus strand). VCF-style: chr9-13143470-T-C. GRCh37 (hg19) VCF-style: chr9-13143469-T-C.
Other names: c.3836A>G, p.Asp1279Gly (NM_001330637.2, NM_001375413.1, NM_003829.5); c.3631-3321A>G (NM_001375425.1, NM_001375420.1, NM_001375423.1 and 4 more transcripts); c.3742-3321A>G (NM_001375419.1, NM_001375416.1, NM_001375418.1 and 3 more transcripts); c.3433-3321A>G (NM_001375427.1); short protein forms D1279G.
Identifiers: ClinVar variation 1706409 (VCV001706409.2), dbSNP rs370624740, ClinGen allele CA4986952.